The following is an entry in ClinVar:

NM_001005242.3(PKP2):c.411A>G (p.Glu137=)

Gene: PKP2 (plakophilin 2; minus strand). Cytogenetic location: 12p11.21.
Variant type: single nucleotide variant.
Coding change: c.411A>G on transcript NM_001005242.3 (MANE Select); coding-DNA position 411, A replaced by G.
Protein change: p.Glu137=; no amino-acid change (glutamic acid 137 retained).
Molecular consequence: synonymous variant.
Genome position (GRCh38, 1-based): chr12:32,878,469, T>C on the plus strand (A>G on the coding strand, the complement: PKP2 is on the minus strand). VCF-style: chr12-32878469-T-C. GRCh37 (hg19) VCF-style: chr12-33031403-T-C.
Other names: c.411A>G, p.Glu137= (NM_004572.4).
Identifiers: ClinVar variation 793108 (VCV000793108.13), dbSNP rs1591829029, ClinGen allele CA479388229.

ClinVar aggregate classification (germline): Likely benign. Review status: criteria provided, multiple submitters, no conflicts (2 of 4 stars). 4 submissions from 4 submitters: Likely benign (4). Last evaluated 2025-05-18.

Conditions:
Cardiovascular phenotype. Identifiers: MedGen CN230736.
Arrhythmogenic right ventricular cardiomyopathy (ARVD). Also called: Cardiomyopathy, ARVC; Arrhythmogenic right ventricular dysplasia; Arrhythmogenic cardiomyopathy; Arrhythmogenic Right Ventricular Cardiomyopathy (ARVC). Identifiers: Orphanet 247, MedGen C0349788, MeSH D019571, MONDO:0016587. Disease mechanism: loss of function. Inheritance: Various modes of inheritance.
Cardiomyopathy (CMYO). Also called: Cardiomyopathies. Identifiers: Orphanet 167848, MedGen C0878544, MONDO:0004994, HP:0001638. Inheritance: Various modes of inheritance.
Arrhythmogenic right ventricular dysplasia 9 (ARVD9). Also called: Arrhythmogenic Right Ventricular Dysplasia/Cardiomyopathy 9; ARRHYTHMOGENIC RIGHT VENTRICULAR DYSPLASIA, FAMILIAL, 9. Identifiers: MedGen C1836906, MONDO:0012180, OMIM 609040.

Allele frequency attached by ClinVar (database versions not stated): gnomAD exomes below 0.00001.
gnomAD v4.1: 2 of 1,614,042 alleles (0.00012%); highest among the groups gnomAD compares: Non-Finnish European, 0.000085%; no homozygotes.

Submissions (4):

Ambry Genetics
Classification: Likely benign for Cardiovascular phenotype. Last evaluated: 2025-05-18. Review status: criteria provided, single submitter. Criteria: Ambry Variant Classification Scheme 2023. Collection method: clinical testing. Allele origin: germline.

All of Us Research Program, National Institutes of Health
Classification: Likely benign for Arrhythmogenic right ventricular cardiomyopathy. Last evaluated: 2023-08-15. Review status: criteria provided, single submitter. Criteria: ACMG Guidelines, 2015. Collection method: clinical testing. Allele origin: germline. Inheritance: Autosomal dominant inheritance. Observed: 1 variant allele, 1 heterozygote.
Comment: This study involves interpretation of variants in research participants for the purpose of population health screening. Participant phenotype was not available at the time of variant classification. Additional details can be found in publication PMID: 35346344, PMCID: PMC8962531

Color Diagnostics, LLC DBA Color Health
Classification: Likely benign for Cardiomyopathy. Last evaluated: 2019-06-18. Review status: criteria provided, single submitter. Criteria: ACMG Guidelines, 2015. Collection method: clinical testing. Allele origin: germline.

Labcorp Genetics (formerly Invitae), Labcorp
Classification: Likely benign for Arrhythmogenic right ventricular dysplasia 9. Last evaluated: 2018-10-16. Review status: criteria provided, single submitter. Criteria: Invitae Variant Classification Sherloc (09022015). Collection method: clinical testing. Allele origin: germline.